The following is an entry in ClinVar:

NM_016333.4(SRRM2):c.4078C>T (p.Leu1360Phe)

Gene: SRRM2 (serine/arginine repetitive matrix 2; plus strand). Cytogenetic location: 16p13.3.
Variant type: single nucleotide variant.
Coding change: c.4078C>T on transcript NM_016333.4 (MANE Select); coding-DNA position 4078, C replaced by T.
Protein change: p.Leu1360Phe; replaces leucine 1360 with phenylalanine.
Molecular consequence: missense variant.
Genome position (GRCh38, 1-based): chr16:2,764,606, C>T. VCF-style: chr16-2764606-C-T. GRCh37 (hg19) VCF-style: chr16-2814607-C-T.
Other names: c.4078C>T (NM_016333.3); short protein forms L1360F.
Identifiers: ClinVar variation 2187800 (VCV002187800.5), dbSNP rs765164625, ClinGen allele CA394416176.

ClinVar aggregate classification (germline): Uncertain significance. Review status: criteria provided, multiple submitters, no conflicts (2 of 4 stars). 2 submissions from 2 submitters: Uncertain significance (2). Last evaluated 2025-10-15.

Conditions:
Inborn genetic diseases. Identifiers: MedGen C0950123, MeSH D030342.

Allele frequency attached by ClinVar (database versions not stated): gnomAD 0.00001; TOPMed 0.00003.
gnomAD v4.1: 10 of 1,614,058 alleles (0.00062%); highest among the groups gnomAD compares: Admixed American, 0.005%; no homozygotes.

Submissions (2):

Ambry Genetics
Classification: Uncertain significance for Inborn genetic diseases. Last evaluated: 2025-10-15. Review status: criteria provided, single submitter. Criteria: Ambry Variant Classification Scheme 2023. Collection method: clinical testing. Allele origin: germline.

Labcorp Genetics (formerly Invitae), Labcorp
Classification: Uncertain significance. Last evaluated: 2022-10-13. Review status: criteria provided, single submitter. Criteria: Invitae Variant Classification Sherloc (09022015). Collection method: clinical testing. Allele origin: germline.
Comment: In summary, the available evidence is currently insufficient to determine the role of this variant in disease. Therefore, it has been classified as a Variant of Uncertain Significance. Algorithms developed to predict the effect of missense changes on protein structure and function are either unavailable or do not agree on the potential impact of this missense change (SIFT: "Tolerated"; PolyPhen-2: "Not Available"; Align-GVGD: "Class C0"). This variant has not been reported in the literature in individuals affected with SRRM2-related conditions. This variant is not present in population databases (gnomAD no frequency). This sequence change replaces leucine, which is neutral and non-polar, with phenylalanine, which is neutral and non-polar, at codon 1360 of the SRRM2 protein (p.Leu1360Phe).